The following is an entry in ClinVar:

ClinVar aggregate classification (germline): Likely benign (1 of 4 stars; one submission).

Conditions:
DNMT3A-related disorder. Also called: DNMT3A-related condition; DNMT3A-related disorders.

gnomAD v4.1: 3 of 1,605,708 alleles (0.00019%); highest among the groups gnomAD compares: East Asian, 0.0022%; no homozygotes.

Submission:

PreventionGenetics, part of Exact Sciences
Classification: Likely benign for DNMT3A-related condition. Last evaluated: 2025-06-03. Review status: criteria provided, single submitter. Criteria: ACMG Guidelines, 2015. Collection method: clinical testing. Allele origin: germline.
Comment: This variant is classified as likely benign based on ACMG/AMP sequence variant interpretation guidelines (Richards et al. 2015 PMID: 25741868, with internal and published modifications).

NM_022552.5(DNMT3A):c.*10G>A

Gene: DNMT3A (DNA methyltransferase 3 alpha; minus strand). Cytogenetic location: 2p23.3.
Variant type: single nucleotide variant.
Coding change: c.*10G>A on transcript NM_022552.5 (MANE Select); 10 bases downstream of the stop codon, G replaced by A.
Molecular consequence: 3 prime UTR variant. On other transcripts: non-coding transcript variant (1).
Genome position (GRCh38, 1-based): chr2:25,234,269, C>T on the plus strand (G>A on the coding strand, the complement: DNMT3A is on the minus strand). VCF-style: chr2-25234269-C-T. GRCh37 (hg19) VCF-style: chr2-25457138-C-T.
Other names: c.*10G>A (NM_001320893.1, NM_001375819.1, NM_153759.3 and 1 more transcripts).
Identifiers: ClinVar variation 4998435 (VCV004998435.1).